The following is an entry in ClinVar:

ClinVar aggregate classification (germline): Uncertain significance. Review status: criteria provided, multiple submitters, no conflicts (2 of 4 stars). 3 submissions from 3 submitters: Uncertain significance (2). 1 of the submissions does not count toward it. Last evaluated 2025-04-24.

Conditions:
Inborn genetic diseases. Identifiers: MedGen C0950123, MeSH D030342.
MECOM-related disorder. Also called: MECOM-related condition.

Allele frequency attached by ClinVar (database versions not stated): TOPMed 0.00006; gnomAD 0.00004.
gnomAD v4.1: 25 of 1,614,034 alleles (0.0015%); highest among the groups gnomAD compares: Admixed American, 0.0033%; no homozygotes.

Submissions (3):

Ambry Genetics
Classification: Uncertain significance for Inborn genetic diseases. Last evaluated: 2025-04-24. Review status: criteria provided, single submitter. Criteria: Ambry Variant Classification Scheme 2023. Collection method: clinical testing. Allele origin: germline.

Labcorp Genetics (formerly Invitae), Labcorp
Classification: Uncertain significance. Last evaluated: 2024-11-06. Review status: criteria provided, single submitter. Criteria: Invitae Variant Classification Sherloc (09022015). Collection method: clinical testing. Allele origin: germline.
Comment: This sequence change replaces threonine, which is neutral and polar, with lysine, which is basic and polar, at codon 266 of the MECOM protein (p.Thr266Lys). This variant is present in population databases (rs768521397, gnomAD 0.003%). This variant has not been reported in the literature in individuals affected with MECOM-related conditions. ClinVar contains an entry for this variant (Variation ID: 2401922). An algorithm developed to predict the effect of missense changes on protein structure and function (PolyPhen-2) suggests that this variant¬†is likely to be tolerated. In summary, the available evidence is currently insufficient to determine the role of this variant in disease. Therefore, it has been classified as a Variant of Uncertain Significance.

PreventionGenetics, part of Exact Sciences
Classification: Uncertain significance for MECOM-related condition. Last evaluated: 2024-04-23. Review status: no assertion criteria provided. Collection method: clinical testing. Allele origin: germline. Not counted in ClinVar's aggregate classification.
Comment: The MECOM c.1361C>A variant is predicted to result in the amino acid substitution p.Thr454Lys. To our knowledge, this variant has not been reported in the literature. This variant is reported in 0.0039% of alleles in individuals of European (Non-Finnish) descent in gnomAD, which may be too common to be causative. Although we suspect that this variant may be benign, at this time, the clinical significance of this variant is uncertain due to the absence of conclusive functional and genetic evidence.

NM_004991.4(MECOM):c.1361C>A (p.Thr454Lys)

Gene: MECOM (MDS1 and EVI1 complex locus; minus strand). Cytogenetic location: 3q26.2.
Variant type: single nucleotide variant.
Coding change: c.1361C>A on transcript NM_004991.4 (MANE Select); coding-DNA position 1361, C replaced by A.
Protein change: p.Thr454Lys; replaces threonine 454 with lysine.
Molecular consequence: missense variant. On other transcripts: intron variant (2).
Genome position (GRCh38, 1-based): chr3:169,116,511, G>T on the plus strand (C>A on the coding strand, the complement: MECOM is on the minus strand). VCF-style: chr3-169116511-G-T. GRCh37 (hg19) VCF-style: chr3-168834299-G-T.
Other names: c.992C>A, p.Thr331Lys (NM_001105077.4); c.797C>A, p.Thr266Lys (NM_001105078.4, NM_001164000.2, NM_001205194.2 and 4 more transcripts); c.800C>A, p.Thr267Lys (NM_001163999.2, NM_001366467.2, NM_001366468.2 and 1 more transcripts); c.1361C>A, p.Thr454Lys (NM_001366466.2); c.1133-744C>A (NM_001366473.2); c.569-744C>A (NM_001366474.2); c.1361C>A (NM_004991.3); short protein forms T266K, T267K, T331K, T454K.
Identifiers: ClinVar variation 2401922 (VCV002401922.9), dbSNP rs768521397, ClinGen allele CA2696352.